The following is an entry in ClinVar:

NM_024675.4(PALB2):c.1555G>C (p.Ala519Pro)

Gene: PALB2 (partner and localizer of BRCA2; minus strand). Cytogenetic location: 16p12.2.
Variant type: single nucleotide variant.
Coding change: c.1555G>C on transcript NM_024675.4 (MANE Select); coding-DNA position 1555, G replaced by C.
Protein change: p.Ala519Pro; replaces alanine 519 with proline.
Molecular consequence: missense variant.
Genome position (GRCh38, 1-based): chr16:23,634,991, C>G on the plus strand (G>C on the coding strand, the complement: PALB2 is on the minus strand). VCF-style: chr16-23634991-C-G. GRCh37 (hg19) VCF-style: chr16-23646312-C-G.
Other names: short protein forms A519P.
Identifiers: ClinVar variation 659328 (VCV000659328.14), dbSNP rs1597095651, ClinGen allele CA395130798.
Genomic context (GRCh38, chr16:23,634,991, plus strand): 5'-CAATCGACAGGCTAGAAGTTGGCAAAAGTGGTTCACAATGATCTGATGCTGGGGTGCAGG[C>G]TGATTTTCTTTTTCCTGTGTATCTTCTACCAGGTGCTTGGGCAACTGCCTTCCTAGACAA-3'
Protein context (NP_078951.2, residues 509-529): GRRYTGKRKS[Ala519Pro]CTPASDHCEP

ClinVar aggregate classification (germline): Uncertain significance. Review status: criteria provided, multiple submitters, no conflicts (2 of 4 stars). 2 submissions from 2 submitters: Uncertain significance (2). Last evaluated 2024-07-16.

Conditions:
Familial cancer of breast. Also called: Hereditary breast cancer; hereditary breast carcinoma; BREAST CANCER, FAMILIAL. Identifiers: Orphanet 227535, MedGen C0346153, MONDO:0016419, OMIM 114480. Disease mechanism: loss of function.
Hereditary cancer-predisposing syndrome. Also called: Hereditary neoplastic syndrome; Neoplastic Syndromes, Hereditary; Hereditary Cancer Syndrome; Tumor predisposition. Identifiers: Orphanet 140162, MedGen C0027672, MeSH D009386, MONDO:0015356.

Allele frequency attached by ClinVar (database versions not stated): TOPMed below 0.00001.

Submissions (2):

Labcorp Genetics (formerly Invitae), Labcorp
Classification: Uncertain significance for Familial cancer of breast. Last evaluated: 2024-07-16. Review status: criteria provided, single submitter. Criteria: Invitae Variant Classification Sherloc (09022015). Collection method: clinical testing. Allele origin: germline.
Comment: This sequence change replaces alanine, which is neutral and non-polar, with proline, which is neutral and non-polar, at codon 519 of the PALB2 protein (p.Ala519Pro). This variant is not present in population databases (gnomAD no frequency). This variant has not been reported in the literature in individuals affected with PALB2-related conditions. ClinVar contains an entry for this variant (Variation ID: 659328). Advanced modeling of protein sequence and biophysical properties (such as structural, functional, and spatial information, amino acid conservation, physicochemical variation, residue mobility, and thermodynamic stability) performed at Invitae indicates that this missense variant is not expected to disrupt PALB2 protein function with a negative predictive value of 80%. In summary, the available evidence is currently insufficient to determine the role of this variant in disease. Therefore, it has been classified as a Variant of Uncertain Significance.

Ambry Genetics
Classification: Uncertain significance for Hereditary cancer-predisposing syndrome. Last evaluated: 2023-02-21. Review status: criteria provided, single submitter. Criteria: Ambry Variant Classification Scheme 2023. Collection method: clinical testing. Allele origin: germline.
Comment: The p.A519P variant (also known as c.1555G>C), located in coding exon 4 of the PALB2 gene, results from a G to C substitution at nucleotide position 1555. The alanine at codon 519 is replaced by proline, an amino acid with highly similar properties. This amino acid position is poorly conserved in available vertebrate species. In addition, this alteration is predicted to be tolerated by in silico analysis. Since supporting evidence is limited at this time, the clinical significance of this alteration remains unclear.